The following is an entry in ClinVar:

NM_000455.5(STK11):c.863-9T>C

Gene: STK11 (serine/threonine kinase 11; plus strand). Cytogenetic location: 19p13.3.
Variant type: single nucleotide variant.
Coding change: c.863-9T>C on transcript NM_000455.5 (MANE Select); 9 bases into the intron before coding-DNA position 863, T replaced by C.
Molecular consequence: intron variant.
Genome position (GRCh38, 1-based): chr19:1,221,940, T>C. VCF-style: chr19-1221940-T-C. GRCh37 (hg19) VCF-style: chr19-1221939-T-C.
Identifiers: ClinVar variation 458069 (VCV000458069.9), dbSNP rs1555738854, ClinGen allele CA658656763.

ClinVar aggregate classification (germline): Likely benign. Review status: criteria provided, multiple submitters, no conflicts (2 of 4 stars). 2 submissions from 2 submitters: Likely benign (2). Last evaluated 2025-03-27.

Conditions:
Peutz-Jeghers syndrome (PJS). Also called: POLYPOSIS, HAMARTOMATOUS INTESTINAL; POLYPS-AND-SPOTS SYNDROME; Peutz-Jeghers polyposis; Periorificial lentiginosis syndrome. Identifiers: Orphanet 2869, MedGen C0031269, MeSH D010580, MONDO:0008280, OMIM 175200.

Submissions (2):

Myriad Genetics, Inc.
Classification: Likely benign for Peutz-Jeghers syndrome. Last evaluated: 2025-03-27. Review status: criteria provided, single submitter. Criteria: Myriad Autosomal Dominant, Autosomal Recessive and X-Linked Classification Criteria (2023). Collection method: clinical testing. Allele origin: unknown.
Comment: This variant is considered likely benign. This variant is intronic and is not expected to impact mRNA splicing.

Labcorp Genetics (formerly Invitae), Labcorp
Classification: Likely benign for Peutz-Jeghers syndrome. Last evaluated: 2024-11-18. Review status: criteria provided, single submitter. Criteria: Invitae Variant Classification Sherloc (09022015). Collection method: clinical testing. Allele origin: germline.